The following is an entry in ClinVar:

ClinVar aggregate classification (germline): Pathogenic (1 of 4 stars; one submission).

Conditions:
46 XY differences of sex development. Also called: 46, XY disorder of sex development (DSD); 46,XY disorder of sex development. Identifiers: Orphanet 98085, MedGen C2751824, MONDO:0020040.
Oligosynaptic infertility (SPGF1). Also called: SPERMATOGENIC FAILURE 1; OLIGOCHIASMATIC INFERTILITY. Identifiers: MedGen C0403810, MONDO:0009776, OMIM 258150.

Submission:

Labcorp Genetics (formerly Invitae), Labcorp
Classification: Pathogenic for 46 XY differences of sex development; Oligosynaptic infertility. Last evaluated: 2026-02-01. Review status: criteria provided, single submitter. Criteria: Invitae Variant Classification Sherloc (09022015). Collection method: clinical testing. Allele origin: germline.
Comment: This sequence change creates a premature translational stop signal (p.Val139Cysfs*157) in the NR5A1 gene. It is expected to result in an absent or disrupted protein product. Loss-of-function variants in NR5A1 are known to be pathogenic (PMID: 10369247, 12907682, 19246354). This variant is not present in population databases (gnomAD no frequency). This variant has not been reported in the literature in individuals affected with NR5A1-related conditions. For these reasons, this variant has been classified as Pathogenic.

Literature cited by the submitters: PubMed 10369247; PubMed 12907682; PubMed 19246354.

NM_004959.5(NR5A1):c.415del (p.Val139fs)

Gene: NR5A1 (nuclear receptor subfamily 5 group A member 1; minus strand). Cytogenetic location: 9q33.3.
Variant type: Deletion.
Coding change: c.415del on transcript NM_004959.5 (MANE Select); coding-DNA position 415, one base deleted (G; older notation c.415delG).
Protein change: p.Val139fs; shifts the reading frame from valine 139.
Molecular consequence: frameshift variant.
Genome position (GRCh38, 1-based): chr9:124,500,545, C deleted on the plus strand (G on the coding strand, the reverse complement: NR5A1 is on the minus strand). VCF-style (leftmost placement, unchanged base first): chr9-124500544-AC-A. GRCh37 (hg19) VCF-style: chr9-127262823-AC-A.
Other names: short protein forms V139fs.
Identifiers: ClinVar variation 4787409 (VCV004787409.1).
Genomic context (GRCh38, chr9:124,500,544, plus strand): 5'-CCAGCAGGTGGACCGGCGGCCAGGCCCTTGGGCTCAGGCCCATGCAGGCTGGGAGGCAGC[AC>A]GTAGTCCGGTGCGGGAGGGGGCGGCGGGGGCACCCCCATCGGGGGCCCTGTCTCCAGCTT-3'